The following is an entry in ClinVar:

NC_000011.10:g.(?_108297277)_(108297392_?)dup

Gene: ATM (ATM serine/threonine kinase; plus strand). Cytogenetic location: 11q22.3.
Variant type: Duplication.
Identifiers: ClinVar variation 830666 (VCV000830666.5).

ClinVar aggregate classification (germline): Uncertain significance (1 of 4 stars; one submission).

Conditions:
Ataxia-telangiectasia syndrome (AT). Also called: ATAXIA-TELANGIECTASIA, COMPLEMENTATION GROUP A; ATAXIA-TELANGIECTASIA, FRESNO VARIANT; Ataxia-telangiectasia, complementation group E; Ataxia telangiectasia (A-T); LOUIS-BAR SYNDROME; Cerebello-oculocutaneous telangiectasia. Identifiers: Orphanet 100, MedGen C0004135, MONDO:0008840, OMIM 208900.

Submission:

Labcorp Genetics (formerly Invitae), Labcorp
Classification: Uncertain significance for Ataxia-telangiectasia syndrome. Last evaluated: 2023-02-24. Review status: criteria provided, single submitter. Criteria: Invitae Variant Classification Sherloc (09022015). Collection method: clinical testing. Allele origin: germline.
Comment: This variant results in a copy number gain of the genomic region encompassing exon(s) 33 of the ATM gene. While the exact position of this variant cannot be determined from the data, sub-genic copy number gains are generally in tandem (PMID: 25640679). This variant is predicted to be in-frame, and likely preserves the integrity of the reading frame. This variant has not been reported in the literature in individuals affected with ATM-related conditions. Experimental studies and prediction algorithms are not available or were not evaluated, and the functional significance of this variant is currently unknown. In summary, the available evidence is currently insufficient to determine the role of this variant in disease. Therefore, it has been classified as a Variant of Uncertain Significance.

Literature cited by the submitters: PubMed 25640679.